The following is an entry in ClinVar:

ClinVar aggregate classification (germline): Uncertain significance (1 of 4 stars; one submission).

Conditions:
Hereditary cancer-predisposing syndrome. Also called: Tumor predisposition; Hereditary Cancer Syndrome; Neoplastic Syndromes, Hereditary; Hereditary neoplastic syndrome. Identifiers: Orphanet 140162, MedGen C0027672, MeSH D009386, MONDO:0015356.

Submission:

Molecular Diagnostics Laboratory, Catalan Institute of Oncology
Classification: Uncertain significance for Hereditary cancer-predisposing syndrome. Last evaluated: 2024-12-19. Review status: criteria provided, single submitter. Criteria: ACMG Guidelines, 2015. Collection method: clinical testing. Allele origin: germline.
Comment: PM2_Supporting c.3401C>T, located in exon 20 of the BRIP1 gene, is predicted to result in the substitution of proline by leucine at codon 1134, p.(Pro1134Leu). It is not present in the population database gnomAD v2.1.1, non cancer dataset (PM2_supporting). The SpliceAI algorithm predicts no significant impact on splicing and the REVEL meta-predictor score (0,506) for this variant is indeterminate regarding the effect that it may have on protein function according Pejaver 2022 thresholds (PMID: 36413997). To our knowledge, neither relevant clinical data nor well-stablished functional studies have been reported for this variant. Also, the variant has not been reported neither in ClinVar nor in LOVD databases. Based on the currently available information, c.3401C>T is classified as an uncertain significance variant according to ACMG guidelines.

NM_032043.3(BRIP1):c.3401C>T (p.Pro1134Leu)

Gene: BRIP1 (BRCA1 interacting DNA helicase 1; minus strand). Cytogenetic location: 17q23.2.
Variant type: single nucleotide variant.
Coding change: c.3401C>T on transcript NM_032043.3 (MANE Select); coding-DNA position 3401, C replaced by T.
Protein change: p.Pro1134Leu; replaces proline 1134 with leucine.
Molecular consequence: missense variant.
Genome position (GRCh38, 1-based): chr17:61,683,645, G>A on the plus strand (C>T on the coding strand, the complement: BRIP1 is on the minus strand). VCF-style: chr17-61683645-G-A. GRCh37 (hg19) VCF-style: chr17-59761006-G-A.
Other names: short protein forms P1134L.
Identifiers: ClinVar variation 3774466 (VCV003774466.1).